The following is an entry in ClinVar:

NM_138694.4(PKHD1):c.9282C>T (p.Asn3094=)

Gene: PKHD1 (PKHD1 ciliary IPT domain containing fibrocystin/polyductin; minus strand). Cytogenetic location: 6p12.3.
Variant type: single nucleotide variant.
Coding change: c.9282C>T on transcript NM_138694.4 (MANE Select); coding-DNA position 9282, C replaced by T.
Protein change: p.Asn3094=; no amino-acid change (asparagine 3094 retained).
Molecular consequence: synonymous variant.
Genome position (GRCh38, 1-based): chr6:51,748,334, G>A on the plus strand (C>T on the coding strand, the complement: PKHD1 is on the minus strand). VCF-style: chr6-51748334-G-A. GRCh37 (hg19) VCF-style: chr6-51613132-G-A.
Other names: c.9282C>T, p.Asn3094= (NM_170724.3); c.9282C>T (NM_138694.3).
Identifiers: ClinVar variation 598350 (VCV000598350.15), dbSNP rs113402912, ClinGen allele CA3851418.

ClinVar aggregate classification (germline): Conflicting classifications of pathogenicity. Review status: criteria provided, conflicting classifications (1 of 4 stars). 4 submissions from 4 submitters: Uncertain significance (2); Likely benign (2). Last evaluated 2025-12-28.

Conditions:
PKHD1-related disorder. Also called: PKHD1-related condition.
Polycystic kidney disease 4 (PKD4). Also called: POLYCYSTIC KIDNEY DISEASE 4 WITH OR WITHOUT POLYCYSTIC LIVER DISEASE; Autosomal Recessive Polycystic Kidney Disease – PKHD1; POLYCYSTIC KIDNEY AND HEPATIC DISEASE 1; POLYCYSTIC KIDNEY DISEASE, INFANTILE, TYPE I; PKD3. Identifiers: MedGen C4540575, MONDO:0033004, OMIM 263200.
Autosomal recessive polycystic kidney disease (ARPKD). Also called: AR polycystic kidney disease. Identifiers: Orphanet 731, Orphanet 8378, MedGen C0085548, MeSH D017044, MONDO:0009889.

Allele frequency attached by ClinVar (database versions not stated): ExAC 0.00001; gnomAD 0.00001; gnomAD exomes 0.00002; TOPMed 0.00002.
gnomAD v4.1: 33 of 1,614,016 alleles (0.002%); highest among the groups gnomAD compares: Middle Eastern, 0.016%; no homozygotes.

Submissions (4):

Labcorp Genetics (formerly Invitae), Labcorp
Classification: Likely benign for Autosomal recessive polycystic kidney disease. Last evaluated: 2025-12-28. Review status: criteria provided, single submitter. Criteria: Invitae Variant Classification Sherloc (09022015). Collection method: clinical testing. Allele origin: germline.

PreventionGenetics, part of Exact Sciences
Classification: Likely benign for PKHD1-related condition. Last evaluated: 2025-03-14. Review status: criteria provided, single submitter. Criteria: ACMG Guidelines, 2015. Collection method: clinical testing. Allele origin: germline.
Comment: This variant is classified as likely benign based on ACMG/AMP sequence variant interpretation guidelines (Richards et al. 2015 PMID: 25741868, with internal and published modifications).

Fulgent Genetics
Classification: Uncertain significance for Polycystic kidney disease 4. Last evaluated: 2024-01-29. Review status: criteria provided, single submitter. Criteria: ACMG Guidelines, 2015. Collection method: clinical testing. Allele origin: germline.

Eurofins Ntd Llc (ga)
Classification: Uncertain significance. Last evaluated: 2018-08-09. Review status: criteria provided, single submitter. Criteria: EGL ClinVar v180209 classification definitions. Collection method: clinical testing. Allele origin: germline. Observed: 1 variant allele, 1 heterozygote.